The following is an entry in ClinVar:

ClinVar aggregate classification (germline): Uncertain significance (1 of 4 stars; one submission).

Allele frequency attached by ClinVar (database versions not stated): gnomAD 0.00001; gnomAD exomes 0.00001; TOPMed 0.00001.
gnomAD v4.1: 11 of 1,535,374 alleles (0.00072%); highest among the groups gnomAD compares: Non-Finnish European, 0.00096%; no homozygotes.

Submission:

GeneDx
Classification: Uncertain significance. Last evaluated: 2019-07-15. Review status: criteria provided, single submitter. Criteria: GeneDx Variant Classification Process June 2021. Collection method: clinical testing. Allele origin: germline. Affected: yes.
Comment: Not observed at a significant frequency in large population cohorts (Lek et al., 2016); Initiation codon variant in a gene for which loss-of-function is not a known mechanism of disease; Has not been previously published as pathogenic or benign to our knowledge

NM_014112.5(TRPS1):c.-122+662A>C

Gene: TRPS1 (transcriptional repressor GATA binding 1; minus strand). Cytogenetic location: 8q23.3.
Variant type: single nucleotide variant.
Coding change: c.-122+662A>C on transcript NM_014112.5 (MANE Select); 662 bases into the intron after 122 bases upstream of the start codon, A replaced by C.
Molecular consequence: intron variant. On other transcripts: missense variant (1), initiator codon variant (1).
Genome position (GRCh38, 1-based): chr8:115,667,883, T>G on the plus strand (A>C on the coding strand, the complement: TRPS1 is on the minus strand). VCF-style: chr8-115667883-T-G. GRCh37 (hg19) VCF-style: chr8-116680110-T-G.
Other names: c.1A>C, p.Met1Leu (NM_001282902.3); c.-3+662A>C (NM_001330599.2); c.-129+662A>C (NM_001282903.3); short protein forms M1L.
Identifiers: ClinVar variation 1305982 (VCV001305982.3), dbSNP rs972347573, ClinGen allele CA184644629.